The following is an entry in ClinVar:

NM_005751.5(AKAP9):c.6578C>A (p.Ala2193Asp)

Gene: AKAP9 (A-kinase anchoring protein 9; plus strand). Cytogenetic location: 7q21.2.
Variant type: single nucleotide variant.
Coding change: c.6578C>A on transcript NM_005751.5 (MANE Select); coding-DNA position 6578, C replaced by A.
Protein change: p.Ala2193Asp; replaces alanine 2193 with aspartic acid.
Molecular consequence: missense variant.
Genome position (GRCh38, 1-based): chr7:92,070,975, C>A. VCF-style: chr7-92070975-C-A. GRCh37 (hg19) VCF-style: chr7-91700289-C-A.
Other names: c.1223C>A, p.Ala408Asp (NM_001379277.1); c.6554C>A, p.Ala2185Asp (NM_147185.3); short protein forms A2185D, A2193D, A408D.
Identifiers: ClinVar variation 1754263 (VCV001754263.2), dbSNP rs1196844754, ClinGen allele CA368134518.

ClinVar aggregate classification (germline): Uncertain significance (1 of 4 stars; one submission).

Conditions:
Cardiovascular phenotype. Identifiers: MedGen CN230736.

Submission:

Ambry Genetics
Classification: Uncertain significance for Cardiovascular phenotype. Last evaluated: 2021-09-26. Review status: criteria provided, single submitter. Criteria: Ambry Variant Classification Scheme 2023. Collection method: clinical testing. Allele origin: germline.
Comment: The p.A2193D variant (also known as c.6578C>A), located in coding exon 28 of the AKAP9 gene, results from a C to A substitution at nucleotide position 6578. The alanine at codon 2193 is replaced by aspartic acid, an amino acid with dissimilar properties. This amino acid position is conserved. In addition, this alteration is predicted to be tolerated by in silico analysis. Since supporting evidence is limited at this time, the clinical significance of this alteration remains unclear.